The following is an entry in ClinVar:

NM_001127208.3(TET2):c.2996A>G (p.Glu999Gly)

Genes: TET2 (tet methylcytosine dioxygenase 2; plus strand), TET2-AS1 (TET2 antisense RNA 1; minus strand). Cytogenetic location: 4q24.
Variant type: single nucleotide variant.
Coding change: c.2996A>G on transcript NM_001127208.3 (MANE Select); coding-DNA position 2996, A replaced by G.
Protein change: p.Glu999Gly; replaces glutamic acid 999 with glycine.
Molecular consequence: missense variant.
Genome position (GRCh38, 1-based): chr4:105,236,938, A>G. VCF-style: chr4-105236938-A-G. GRCh37 (hg19) VCF-style: chr4-106158095-A-G.
Other names: c.2996A>G, p.Glu999Gly (NM_017628.4); short protein forms E999G.
Identifiers: ClinVar variation 3967544 (VCV003967544.1).

ClinVar aggregate classification (germline): Uncertain significance (1 of 4 stars; one submission).

gnomAD v4.1: 13 of 1,614,174 alleles (0.00081%); highest among the groups gnomAD compares: Middle Eastern, 0.016%; 1 homozygote.

Submission:

Ambry Genetics
Classification: Uncertain significance. Last evaluated: 2025-04-07. Review status: criteria provided, single submitter. Criteria: Ambry Variant Classification Scheme 2023. Collection method: clinical testing. Allele origin: germline.
Comment: The p.E999G variant (also known as c.2996A>G), located in coding exon 1 of the TET2 gene, results from an A to G substitution at nucleotide position 2996. The glutamic acid at codon 999 is replaced by glycine, an amino acid with similar properties. This amino acid position is conserved. In addition, this alteration is predicted to be tolerated by in silico analysis. Based on the available evidence, the clinical significance of this variant remains unclear.